The following is an entry in ClinVar:

ClinVar aggregate classification (germline): Likely benign. Review status: criteria provided, single submitter (1 of 4 stars). 2 submissions from 2 submitters: Likely benign (1). 1 of the submissions does not count toward it. Last evaluated 2025-10-08.

Conditions:
PIEZO2-related disorder. Also called: PIEZO2-related disorders; PIEZO2-related condition.

Allele frequency attached by ClinVar (database versions not stated): gnomAD exomes 0.00005 and 0.00015; ExAC 0.00041; gnomAD 0.00076 and 0.00079; TOPMed 0.00085; ESP Exome Variant Server 0.00088; 1000 Genomes Project 0.00100; 1000 Genomes Project 30x 0.00109.
gnomAD v4.1: 195 of 1,537,326 alleles (0.013%); highest among the groups gnomAD compares: African/African-American, 0.23%; 1 homozygote.

Submissions (2):

Labcorp Genetics (formerly Invitae), Labcorp
Classification: Likely benign. Last evaluated: 2025-10-08. Review status: criteria provided, single submitter. Criteria: Invitae Variant Classification Sherloc (09022015). Collection method: clinical testing. Allele origin: germline.

PreventionGenetics, part of Exact Sciences
Classification: Likely benign for PIEZO2-related condition. Last evaluated: 2019-08-29. Review status: no assertion criteria provided. Collection method: clinical testing. Allele origin: germline. Not counted in ClinVar's aggregate classification.
Comment: This variant is classified as likely benign based on ACMG/AMP sequence variant interpretation guidelines (Richards et al. 2015 PMID: 25741868, with internal and published modifications).

NM_001378183.1(PIEZO2):c.3000C>T (p.Tyr1000=)

Gene: PIEZO2 (piezo type mechanosensitive ion channel component 2; minus strand). Cytogenetic location: 18p11.22.
Variant type: single nucleotide variant.
Coding change: c.3000C>T on transcript NM_001378183.1 (MANE Select); coding-DNA position 3000, C replaced by T.
Protein change: p.Tyr1000=; no amino-acid change (tyrosine 1000 retained).
Molecular consequence: synonymous variant.
Genome position (GRCh38, 1-based): chr18:10,763,045, G>A on the plus strand (C>T on the coding strand, the complement: PIEZO2 is on the minus strand). VCF-style: chr18-10763045-G-A. GRCh37 (hg19) VCF-style: chr18-10763043-G-A.
Other names: c.2925C>T, p.Tyr975= (NM_022068.4).
Identifiers: ClinVar variation 741137 (VCV000741137.11), dbSNP rs368969302, ClinGen allele CA8892597.